The following is an entry in ClinVar:

ClinVar aggregate classification (germline): Uncertain significance. Review status: criteria provided, multiple submitters, no conflicts (2 of 4 stars). 3 submissions from 3 submitters: Uncertain significance (3). Last evaluated 2026-06-01.

Conditions:
Inborn genetic diseases. Identifiers: MedGen C0950123, MeSH D030342.

Allele frequency attached by ClinVar (database versions not stated): ExAC 0.00002; gnomAD 0.00002; gnomAD exomes 0.00003; TOPMed 0.00003.
gnomAD v4.1: 48 of 1,613,046 alleles (0.003%); highest among the groups gnomAD compares: Non-Finnish European, 0.0036%; no homozygotes.

Submissions (3):

CeGaT Center for Human Genetics Tuebingen
Classification: Uncertain significance. Last evaluated: 2026-06-01. Review status: criteria provided, single submitter. Criteria: CeGaT Center For Human Genetics Tuebingen Variant Classification Criteria Version 2. Collection method: clinical testing. Allele origin: germline. Affected: yes. Observed: 2 variant alleles.
Comment: HSPG2: PM2:Supporting, BP4

Ambry Genetics
Classification: Uncertain significance for Inborn genetic diseases. Last evaluated: 2025-08-30. Review status: criteria provided, single submitter. Criteria: Ambry Variant Classification Scheme 2023. Collection method: clinical testing. Allele origin: germline.

Revvity Omics, Revvity
Classification: Uncertain significance. Last evaluated: 2019-12-09. Review status: criteria provided, single submitter. Criteria: ACMG Guidelines, 2015. Collection method: clinical testing. Allele origin: germline.

NM_005529.7(HSPG2):c.2872G>A (p.Ala958Thr)

Gene: HSPG2 (heparan sulfate proteoglycan 2; minus strand). Cytogenetic location: 1p36.12.
Variant type: single nucleotide variant.
Coding change: c.2872G>A on transcript NM_005529.7 (MANE Select); coding-DNA position 2872, G replaced by A.
Protein change: p.Ala958Thr; replaces alanine 958 with threonine.
Molecular consequence: missense variant.
Genome position (GRCh38, 1-based): chr1:21,876,360, C>T on the plus strand (G>A on the coding strand, the complement: HSPG2 is on the minus strand). VCF-style: chr1-21876360-C-T. GRCh37 (hg19) VCF-style: chr1-22202853-C-T.
Other names: c.2872G>A (NM_005529.5); c.2875G>A, p.Ala959Thr (NM_001291860.2); short protein forms A958T, A959T.
Identifiers: ClinVar variation 2432563 (VCV002432563.14), dbSNP rs773438061, ClinGen allele CA672825.